The following is an entry in ClinVar:

NM_001042492.3(NF1):c.2842del (p.Gln948fs)

Gene: NF1 (neurofibromin 1; plus strand). Cytogenetic location: 17q11.2.
Variant type: Deletion.
Coding change: c.2842del on transcript NM_001042492.3 (MANE Select); coding-DNA position 2842, one base deleted (C; older notation c.2842delC).
Protein change: p.Gln948fs; shifts the reading frame from glutamine 948.
Molecular consequence: frameshift variant.
Genome position (GRCh38, 1-based): chr17:31,229,457, C deleted; the last of 3 consecutive C bases (chr17:31,229,455-31,229,457); deleting any one gives the same sequence. VCF-style (leftmost placement, unchanged base first): chr17-31229454-TC-T. GRCh37 (hg19) VCF-style: chr17-29556472-TC-T.
Other names: c.2842delC, p.Gln948Lysfs (NM_000267.4); short protein forms Q948fs.
Identifiers: ClinVar variation 837151 (VCV000837151.7), dbSNP rs1555614354, ClinGen allele CA916080633.

ClinVar aggregate classification (germline): Pathogenic/Likely pathogenic. Review status: criteria provided, multiple submitters, no conflicts (2 of 4 stars). 2 submissions from 2 submitters: Pathogenic (1); Likely pathogenic (1). Last evaluated 2025-09-11.

Conditions:
Neurofibromatosis, type 1 (NF1). Also called: Peripheral type neurofibromatosis; Neurofibromatosis, type I; VON RECKLINGHAUSEN DISEASE; NEUROFIBROMATOSIS, TYPE I, SOMATIC. Identifiers: Orphanet 636, MedGen C0027831, MONDO:0018975, OMIM 162200. Disease mechanism: loss of function.
Juvenile myelomonocytic leukemia (JMML). Also called: LEUKEMIA, JUVENILE MYELOMONOCYTIC, SOMATIC. Identifiers: Orphanet 86834, MedGen C0349639, MONDO:0011908, OMIM 607785, HP:0012209.

Submissions (2):

Labcorp Genetics (formerly Invitae), Labcorp
Classification: Pathogenic for Neurofibromatosis, type 1. Last evaluated: 2025-09-11. Review status: criteria provided, single submitter. Criteria: Invitae Variant Classification Sherloc (09022015). Collection method: clinical testing. Allele origin: germline.
Comment: This sequence change creates a premature translational stop signal (p.Gln948Lysfs*6) in the NF1 gene. It is expected to result in an absent or disrupted protein product. Loss-of-function variants in NF1 are known to be pathogenic (PMID: 10712197, 23913538). This variant is not present in population databases (gnomAD no frequency). This variant has not been reported in the literature in individuals affected with NF1-related conditions. Invitae Evidence Modeling of clinical and family history, age, sex, and reported ancestry of multiple individuals with this NF1 variant has been performed. This variant is expected to be pathogenic with a positive predictive value of at least 99%. This is a validated machine learning model that incorporates the clinical features of 1,785,918 individuals referred to our laboratory for NF1 testing. ClinVar contains an entry for this variant (Variation ID: 837151). For these reasons, this variant has been classified as Pathogenic.

Baylor Genetics
Classification: Likely pathogenic for Juvenile myelomonocytic leukemia. Last evaluated: 2023-10-17. Review status: criteria provided, single submitter. Criteria: ACMG Guidelines, 2015. Collection method: clinical testing. Allele origin: unknown.

Literature cited by the submitters: PubMed 10712197 (cited by Labcorp Genetics (formerly Invitae), Labcorp); PubMed 23913538 (cited by Labcorp Genetics (formerly Invitae), Labcorp).